The following is an entry in ClinVar:

NM_032861.4(SERAC1):c.903del (p.Gln302fs)

Gene: SERAC1 (serine active site containing 1; minus strand). Cytogenetic location: 6q25.3.
Variant type: Deletion.
Coding change: c.903del on transcript NM_032861.4 (MANE Select); coding-DNA position 903, one base deleted (T; older notation c.903delT).
Protein change: p.Gln302fs; shifts the reading frame from glutamine 302.
Molecular consequence: frameshift variant. On other transcripts: non-coding transcript variant (1).
Genome position (GRCh38, 1-based): chr6:158,128,220, A deleted on the plus strand (T on the coding strand, the reverse complement: SERAC1 is on the minus strand); the first of 2 consecutive A bases (chr6:158,128,220-158,128,221); deleting either gives the same sequence. VCF-style (leftmost placement, unchanged base first): chr6-158128219-GA-G. GRCh37 (hg19) VCF-style: chr6-158549251-GA-G.
Other names: short protein forms Q302fs.
Identifiers: ClinVar variation 3767233 (VCV003767233.1).

ClinVar aggregate classification (germline): Likely pathogenic (1 of 4 stars; one submission).

Conditions:
3-methylglutaconic aciduria with deafness, encephalopathy, and Leigh-like syndrome (MEGDEL). Also called: MEGDEL syndrome; SERAC1 Deficiency; 3-METHYLGLUTACONIC ACIDURIA, TYPE VI. Identifiers: Orphanet 352328, MedGen C4040739, MONDO:0013875, OMIM 614739.

Submission:

Service de Génétique Médicale, Centre Hospitalier Universitaire de Nice-Université Côte d'Azur
Classification: Likely pathogenic for 3-methylglutaconic aciduria with deafness, encephalopathy, and Leigh-like syndrome. Last evaluated: 2024-02-27. Review status: criteria provided, single submitter. Criteria: ACMG Guidelines, 2015. Collection method: clinical testing. Allele origin: germline. Affected: yes.

Literature cited by the submitters: PubMed 38703036.